The following is an entry in ClinVar:

ClinVar aggregate classification (germline): Conflicting classifications of pathogenicity. Review status: criteria provided, conflicting classifications (1 of 4 stars). 2 submissions from 2 submitters: Uncertain significance (1); Likely benign (1). Last evaluated 2025-08-11.

Conditions:
Charcot-Marie-Tooth disease type 2. Also called: Charcot-Marie-Tooth type 2. Identifiers: Orphanet 64746, MedGen C0270914, MONDO:0018993.

Allele frequency attached by ClinVar (database versions not stated): gnomAD 0.00003; gnomAD exomes 0.00003; ExAC 0.00002; TOPMed 0.00001.

Submissions (2):

Labcorp Genetics (formerly Invitae), Labcorp
Classification: Uncertain significance for Charcot-Marie-Tooth disease type 2. Last evaluated: 2025-08-11. Review status: criteria provided, single submitter. Criteria: Invitae Variant Classification Sherloc (09022015). Collection method: clinical testing. Allele origin: germline.
Comment: This sequence change replaces asparagine, which is neutral and polar, with histidine, which is basic and polar, at codon 1164 of the KIF1B protein (p.Asn1164His). This variant is present in population databases (rs779559577, gnomAD 0.007%). This variant has not been reported in the literature in individuals affected with KIF1B-related conditions. ClinVar contains an entry for this variant (Variation ID: 842689). An algorithm developed to predict the effect of missense changes on protein structure and function outputs the following: PolyPhen-2: "Possibly Damaging". The histidine amino acid residue is found in multiple mammalian species, which suggests that this missense change does not adversely affect protein function. In summary, the available evidence is currently insufficient to determine the role of this variant in disease. Therefore, it has been classified as a Variant of Uncertain Significance.

Ambry Genetics
Classification: Likely benign. Last evaluated: 2025-01-26. Review status: criteria provided, single submitter. Criteria: Ambry Variant Classification Scheme 2023. Collection method: clinical testing. Allele origin: germline.

NM_001365951.3(KIF1B):c.3628A>C (p.Asn1210His)

Gene: KIF1B (kinesin family member 1B; plus strand). Cytogenetic location: 1p36.22.
Variant type: single nucleotide variant.
Coding change: c.3628A>C on transcript NM_001365951.3 (MANE Select); coding-DNA position 3628, A replaced by C.
Protein change: p.Asn1210His; replaces asparagine 1210 with histidine.
Molecular consequence: missense variant.
Genome position (GRCh38, 1-based): chr1:10,342,164, A>C. VCF-style: chr1-10342164-A-C. GRCh37 (hg19) VCF-style: chr1-10402222-A-C.
Other names: c.3628A>C, p.Asn1210His (NM_001365952.1); c.3490A>C, p.Asn1164His (NM_015074.3); short protein forms N1164H, N1210H.
Identifiers: ClinVar variation 842689 (VCV000842689.13), dbSNP rs779559577, ClinGen allele CA581823.